The following is an entry in ClinVar:

ClinVar aggregate classification (germline): Conflicting classifications of pathogenicity. Review status: criteria provided, conflicting classifications (1 of 4 stars). 2 submissions from 2 submitters: Uncertain significance (1); Likely benign (1). Last evaluated 2026-07-27.

Conditions:
Inborn genetic diseases. Identifiers: MedGen C0950123, MeSH D030342.

gnomAD v4.1: 3 of 1,614,002 alleles (0.00019%); highest among the groups gnomAD compares: Non-Finnish European, 0.00025%; no homozygotes.

Submissions (2):

Ambry Genetics
Classification: Likely benign for Inborn genetic diseases. Last evaluated: 2026-07-27. Review status: criteria provided, single submitter. Criteria: Ambry Variant Classification Scheme 2023. Collection method: clinical testing. Allele origin: germline.

Greenwood Genetic Center Diagnostic Laboratories, Greenwood Genetic Center
Classification: Uncertain significance. Last evaluated: 2025-04-08. Review status: criteria provided, single submitter. Criteria: ACMG Guidelines, 2015. Collection method: clinical testing. Allele origin: germline. Affected: yes.
Comment: BP4, PP2

NM_018489.3(ASH1L):c.7391C>G (p.Ala2464Gly)

Gene: ASH1L (ASH1 like histone lysine methyltransferase; minus strand). Cytogenetic location: 1q22.
Variant type: single nucleotide variant.
Coding change: c.7391C>G on transcript NM_018489.3 (MANE Select); coding-DNA position 7391, C replaced by G.
Protein change: p.Ala2464Gly; replaces alanine 2464 with glycine.
Molecular consequence: missense variant.
Genome position (GRCh38, 1-based): chr1:155,349,572, G>C on the plus strand (C>G on the coding strand, the complement: ASH1L is on the minus strand). VCF-style: chr1-155349572-G-C. GRCh37 (hg19) VCF-style: chr1-155319363-G-C.
Other names: c.7406C>G, p.Ala2469Gly (NM_001366177.2); c.7391C>G (NM_018489.2); short protein forms A2464G, A2469G.
Identifiers: ClinVar variation 4538240 (VCV004538240.2).
Genomic context (GRCh38, chr1:155,349,572, plus strand): 5'-CTCAGATGATTCCCACAAATGTGAACCTACTTTTTCTTTGGGGGAAGGTTCAAAAGTGGA[G>C]CTGCCAGTGCTTGCCGGGAAGAATCTGCAAAAGAATGTGAGGTTTAGTAGAAAGATTCCA-3'
Protein context (NP_060959.2, residues 2454-2474): YKDSSRQALA[Ala2464Gly]PLLNLPPKKK